The following is an entry in ClinVar:

ClinVar aggregate classification (germline): Uncertain significance (1 of 4 stars; one submission).

Conditions:
Usher syndrome type 3B. Also called: USHER SYNDROME, TYPE IIIB. Identifiers: MedGen C3281066, MONDO:0013788, OMIM 614504.

Submission:

Labcorp Genetics (formerly Invitae), Labcorp
Classification: Uncertain significance for Usher syndrome type 3B. Last evaluated: 2022-02-24. Review status: criteria provided, single submitter. Criteria: Invitae Variant Classification Sherloc (09022015). Collection method: clinical testing. Allele origin: germline.
Comment: In summary, the available evidence is currently insufficient to determine the role of this variant in disease. Therefore, it has been classified as a Variant of Uncertain Significance. Algorithms developed to predict the effect of missense changes on protein structure and function are either unavailable or do not agree on the potential impact of this missense change (SIFT: "Deleterious"; PolyPhen-2: "Benign"; Align-GVGD: "Class C0"). ClinVar contains an entry for this variant (Variation ID: 858347). This variant has not been reported in the literature in individuals affected with HARS-related conditions. This variant is not present in population databases (gnomAD no frequency). This sequence change replaces arginine, which is basic and polar, with leucine, which is neutral and non-polar, at codon 266 of the HARS protein (p.Arg266Leu).

NM_002109.6(HARS1):c.797G>T (p.Arg266Leu)

Gene: HARS1 (histidyl-tRNA synthetase 1; minus strand). Cytogenetic location: 5q31.3.
Variant type: single nucleotide variant.
Coding change: c.797G>T on transcript NM_002109.6 (MANE Select); coding-DNA position 797, G replaced by T.
Protein change: p.Arg266Leu; replaces arginine 266 with leucine.
Molecular consequence: missense variant.
Genome position (GRCh38, 1-based): chr5:140,677,353, C>A on the plus strand (G>T on the coding strand, the complement: HARS1 is on the minus strand). VCF-style: chr5-140677353-C-A. GRCh37 (hg19) VCF-style: chr5-140056938-C-A.
Other names: c.677G>T, p.Arg226Leu (NM_001258040.3); c.737G>T, p.Arg246Leu (NM_001258041.3); c.617G>T, p.Arg206Leu (NM_001258042.3); c.575G>T, p.Arg192Leu (NM_001289092.2); c.455G>T, p.Arg152Leu (NM_001289093.2); c.710G>T, p.Arg237Leu (NM_001289094.2); short protein forms R152L, R192L, R226L, R237L, R206L, R246L, R266L.
Identifiers: ClinVar variation 858347 (VCV000858347.9), dbSNP rs765223763, ClinGen allele CA361253800.
Genomic context (GRCh38, chr5:140,677,353, plus strand): 5'-ACGGCTGCTGGGGAGGCTTGGTTCTGTTCCTCACCATGTTGCTGGACATAGTCCCCAATG[C>A]GGTCAGCCACCTCAGGTGCAAGGCCCTTCTCTCCCACCATCTCATTCTTCACCTCTTCCC-3'
Protein context (NP_002100.2, residues 256-276): EKGLAPEVAD[Arg266Leu]IGDYVQQHGG